The following is an entry in ClinVar:

NC_000023.10:g.(?_32591627)_(32632590_?)del

Gene: DMD (dystrophin; minus strand). Cytogenetic location: Xp21.1.
Variant type: Deletion.
Identifiers: ClinVar variation 3244039 (VCV003244039.1).

ClinVar aggregate classification (germline): Pathogenic (1 of 4 stars; one submission).

Conditions:
Duchenne muscular dystrophy (DMD). Also called: MUSCULAR DYSTROPHY, PSEUDOHYPERTROPHIC PROGRESSIVE, DUCHENNE TYPE; Duchenne Muscular Dystrophy (DMD). Identifiers: Orphanet 98896, MedGen C0013264, MONDO:0010679, OMIM 310200.

Submission:

Labcorp Genetics (formerly Invitae), Labcorp
Classification: Pathogenic for Duchenne muscular dystrophy. Last evaluated: 2023-12-04. Review status: criteria provided, single submitter. Criteria: Invitae Variant Classification Sherloc (09022015). Collection method: clinical testing. Allele origin: unknown.
Comment: This variant is a gross deletion of the genomic region encompassing exon(s) 12-15 of the DMD gene. This deletion is out-of-frame, and is expected to create a premature termination codon and result in an absent or disrupted protein product. Loss-of-function variants in DMD are known to be pathogenic (PMID: 16770791, 25007885). A similar copy number variant has been observed in individual(s) with clinical features consistent with Duchenne muscular dystrophy (PMID: 33644936). For these reasons, this variant has been classified as Pathogenic.

Literature cited by the submitters: PubMed 16770791; PubMed 25007885; PubMed 33644936.